The following is an entry in ClinVar:

NM_001164508.2(NEB):c.11690G>A (p.Gly3897Glu)

Gene: NEB (nebulin; minus strand). Cytogenetic location: 2q23.3.
Variant type: single nucleotide variant.
Coding change: c.11690G>A on transcript NM_001164508.2 (MANE Select); coding-DNA position 11690, G replaced by A.
Protein change: p.Gly3897Glu; replaces glycine 3897 with glutamic acid.
Molecular consequence: missense variant.
Genome position (GRCh38, 1-based): chr2:151,612,301, C>T on the plus strand (G>A on the coding strand, the complement: NEB is on the minus strand). VCF-style: chr2-151612301-C-T. GRCh37 (hg19) VCF-style: chr2-152468815-C-T.
Other names: c.11690G>A, p.Gly3897Glu (NM_001164507.2, NM_001271208.2); c.10961G>A, p.Gly3654Glu (NM_004543.5); short protein forms G3897E, G3654E.
Identifiers: ClinVar variation 1400744 (VCV001400744.5), dbSNP rs777129630, ClinGen allele CA1908698.

ClinVar aggregate classification (germline): Uncertain significance (1 of 4 stars; one submission).

Conditions:
Nemaline myopathy 2 (NEM2). Also called: Nemaline myopathy 2, autosomal recessive. Identifiers: MedGen C1850569, MONDO:0009725, OMIM 256030.

Allele frequency attached by ClinVar (database versions not stated): gnomAD exomes below 0.00001; TOPMed below 0.00001; ExAC 0.00001.
gnomAD v4.1: 1 of 1,613,864 alleles (0.000062%); highest among the groups gnomAD compares: Admixed American, 0.0017%; no homozygotes.

Submission:

Labcorp Genetics (formerly Invitae), Labcorp
Classification: Uncertain significance for Nemaline myopathy 2. Last evaluated: 2022-07-26. Review status: criteria provided, single submitter. Criteria: Invitae Variant Classification Sherloc (09022015). Collection method: clinical testing. Allele origin: germline.
Comment: This sequence change replaces glycine, which is neutral and non-polar, with glutamic acid, which is acidic and polar, at codon 3897 of the NEB protein (p.Gly3897Glu). This variant is present in population databases (rs777129630, gnomAD 0.003%). This variant has not been reported in the literature in individuals affected with NEB-related conditions. ClinVar contains an entry for this variant (Variation ID: 1400744). Algorithms developed to predict the effect of missense changes on protein structure and function are either unavailable or do not agree on the potential impact of this missense change (SIFT: "Deleterious"; PolyPhen-2: "Not Available"; Align-GVGD: "Class C0"). In summary, the available evidence is currently insufficient to determine the role of this variant in disease. Therefore, it has been classified as a Variant of Uncertain Significance.